The following is an entry in ClinVar:

NM_000548.5(TSC2):c.3026C>T (p.Ala1009Val)

Gene: TSC2 (TSC complex subunit 2; plus strand). Cytogenetic location: 16p13.3.
Variant type: single nucleotide variant.
Coding change: c.3026C>T on transcript NM_000548.5 (MANE Select); coding-DNA position 3026, C replaced by T.
Protein change: p.Ala1009Val; replaces alanine 1009 with valine.
Molecular consequence: missense variant.
Genome position (GRCh38, 1-based): chr16:2,079,091, C>T. VCF-style: chr16-2079091-C-T. GRCh37 (hg19) VCF-style: chr16-2129092-C-T.
Other names: c.2894C>T, p.Ala965Val (NM_001077183.3, NM_001370404.1); c.3026C>T, p.Ala1009Val (NM_001114382.3); c.2786C>T, p.Ala929Val (NM_001318827.2); c.2897C>T, p.Ala966Val (NM_001363528.2, NM_001370405.1, NM_021055.3); c.2750C>T, p.Ala917Val (NM_001318829.2); c.2294C>T, p.Ala765Val (NM_001318831.2); c.2927C>T, p.Ala976Val (NM_001318832.2); short protein forms A1009V, A917V, A965V, A976V, A929V, A765V, A966V.
Identifiers: ClinVar variation 579110 (VCV000579110.9), dbSNP rs1567496227, ClinGen allele CA394283977.

ClinVar aggregate classification (germline): Uncertain significance. Review status: criteria provided, multiple submitters, no conflicts (2 of 4 stars). 2 submissions from 2 submitters: Uncertain significance (2). Last evaluated 2024-11-09.

Conditions:
Hereditary cancer-predisposing syndrome. Also called: Hereditary neoplastic syndrome; Tumor predisposition; Hereditary Cancer Syndrome; Neoplastic Syndromes, Hereditary. Identifiers: Orphanet 140162, MedGen C0027672, MeSH D009386, MONDO:0015356.
Tuberous sclerosis 2 (TSC2). Identifiers: Orphanet 805, MedGen C1860707, MONDO:0013199, OMIM 613254.

Allele frequency attached by ClinVar (database versions not stated): gnomAD exomes below 0.00001.

Submissions (2):

Ambry Genetics
Classification: Uncertain significance for Hereditary cancer-predisposing syndrome. Last evaluated: 2024-11-09. Review status: criteria provided, single submitter. Criteria: Ambry Variant Classification Scheme 2023. Collection method: clinical testing. Allele origin: germline.
Comment: The p.A1009V variant (also known as c.3026C>T), located in coding exon 26 of the TSC2 gene, results from a C to T substitution at nucleotide position 3026. The alanine at codon 1009 is replaced by valine, an amino acid with similar properties. This amino acid position is conserved. In addition, the in silico prediction for this alteration is inconclusive. Based on the available evidence, the clinical significance of this variant remains unclear.

Labcorp Genetics (formerly Invitae), Labcorp
Classification: Uncertain significance for Tuberous sclerosis 2. Last evaluated: 2018-02-12. Review status: criteria provided, single submitter. Criteria: Invitae Variant Classification Sherloc (09022015). Collection method: clinical testing. Allele origin: germline.
Comment: Algorithms developed to predict the effect of missense changes on protein structure and function (SIFT, PolyPhen-2, Align-GVGD) all suggest that this variant is likely to be tolerated, but these predictions have not been confirmed by published functional studies and their clinical significance is uncertain. In summary, the available evidence is currently insufficient to determine the role of this variant in disease. Therefore, it has been classified as a Variant of Uncertain Significance. This variant has not been reported in the literature in individuals with TSC2-related disease. This variant is not present in population databases (ExAC no frequency). This sequence change replaces alanine with valine at codon 1009 of the TSC2 protein (p.Ala1009Val). The alanine residue is moderately conserved and there is a small physicochemical difference between alanine and valine.